The following is an entry in ClinVar:

ClinVar aggregate classification (germline): Likely benign. Review status: reviewed by expert panel (3 of 4 stars). 3 submissions from 3 submitters: Likely benign (1). 2 of the submissions do not count toward it. Last evaluated 2026-04-29.

Conditions:
Inborn genetic diseases. Identifiers: MedGen C0950123, MeSH D030342.
Hereditary thrombocytopenia and hematologic cancer predisposition syndrome. Identifiers: Orphanet 71290, MedGen CN281654, MONDO:0011071.
Hereditary thrombocytopenia and hematological cancer predisposition syndrome associated with RUNX1. Also called: Familial Platelet Disorder with Propensity to Acute Myelogenous Leukemia; Familial thrombocytopenia with propensity to acute myelogenous leukemia; PLATELET DISORDER, ASPIRIN-LIKE; RUNX1 Familial Platelet Disorder with Associated Myeloid Malignancies. Identifiers: Orphanet 71290, MedGen C1832388, MeSH C563324, MONDO:0100083, OMIM 601399.

Allele frequency attached by ClinVar (database versions not stated): gnomAD exomes below 0.00001.
gnomAD v4.1: 1 of 1,614,224 alleles (0.000062%); highest among the groups gnomAD compares: South Asian, 0.0011%; no homozygotes.

Submissions (3):

ClinGen Myeloid Malignancy Variant Curation Expert Panel
Classification: Likely benign for Hereditary thrombocytopenia and hematologic cancer predisposition syndrome. Last evaluated: 2026-04-29. Review status: reviewed by expert panel. Criteria: ClinGen MyeloMalig ACMG Specifications V3.1. Collection method: curation. Allele origin: germline. Inheritance: Autosomal dominant inheritance.
Comment: NM_001754.5(RUNX1):c.891C>T (p.His297=) is a synonymous variant which has a SpliceAI score ≤ 0.20 (0.00) (BP4, BP7). This variant has a MAF ≤ 0.00005 in gnomAD v4 across all subpopulations with at least 20X coverage for RUNX1 (PM2_supporting). In summary, this variant meets criteria to be classified as likely benign. ACMG/AMP criteria applied, as specified by the Myeloid Malignancy Variant Curation Expert Panel for RUNX1: BP4, BP7, PM2_supporting.

Ambry Genetics
Classification: Likely benign for Inborn genetic diseases. Last evaluated: 2025-01-09. Review status: criteria provided, single submitter. Criteria: Ambry Variant Classification Scheme 2023. Collection method: clinical testing. Allele origin: germline. Not counted in ClinVar's aggregate classification.

Labcorp Genetics (formerly Invitae), Labcorp
Classification: Likely benign for Hereditary thrombocytopenia and hematological cancer predisposition syndrome associated with RUNX1. Last evaluated: 2020-10-23. Review status: criteria provided, single submitter. Criteria: Invitae Variant Classification Sherloc (09022015). Collection method: clinical testing. Allele origin: germline. Not counted in ClinVar's aggregate classification.

NM_001754.5(RUNX1):c.891C>T (p.His297=)

Gene: RUNX1 (RUNX family transcription factor 1; minus strand). Cytogenetic location: 21q22.12.
Variant type: single nucleotide variant.
Coding change: c.891C>T on transcript NM_001754.5 (MANE Select); coding-DNA position 891, C replaced by T.
Protein change: p.His297=; no amino-acid change (histidine 297 retained).
Molecular consequence: synonymous variant.
Genome position (GRCh38, 1-based): chr21:34,799,377, G>A on the plus strand (C>T on the coding strand, the complement: RUNX1 is on the minus strand). VCF-style: chr21-34799377-G-A. GRCh37 (hg19) VCF-style: chr21-36171674-G-A.
Other names: NM_001754.5(RUNX1):c.891C>T; p.His297=; c.810C>T, p.His270= (NM_001001890.3); c.891C>T (NM_001754.4).
Identifiers: ClinVar variation 1114376 (VCV001114376.13), dbSNP rs1235495225, ClinGen allele CA512232233.
Genomic context (GRCh38, chr21:34,799,377, plus strand): 5'-AAGTTCTGCAGAGAGGGTTGTCATGCCGCTGGCACGTCCAGGTGAAATGGGCGTTGCTGG[G>A]TGCACAGAAGGAGAGGCAATGGATCCCAGGTATTGGTAGGACTGATCGTAGGACCACGGT-3'
Protein context (NP_001745.2, residues 287-307): YLGSIASPSV[His297=]PATPISPGRA